The following is an entry in ClinVar:

NM_004168.4(SDHA):c.547G>A (p.Gly183Ser)

Gene: SDHA (succinate dehydrogenase complex flavoprotein subunit A; plus strand). Cytogenetic location: 5p15.33.
Variant type: single nucleotide variant.
Coding change: c.547G>A on transcript NM_004168.4 (MANE Select); coding-DNA position 547, G replaced by A.
Protein change: p.Gly183Ser; replaces glycine 183 with serine.
Molecular consequence: missense variant.
Genome position (GRCh38, 1-based): chr5:225,973, G>A. VCF-style: chr5-225973-G-A. GRCh37 (hg19) VCF-style: chr5-226088-G-A.
Other names: c.403G>A, p.Gly135Ser (NM_001294332.2); c.547G>A, p.Gly183Ser (NM_001330758.2); short protein forms G135S, G183S.
Identifiers: ClinVar variation 4546641 (VCV004546641.1).

ClinVar aggregate classification (germline): Uncertain significance (1 of 4 stars; one submission).

Conditions:
Hereditary cancer-predisposing syndrome. Also called: Tumor predisposition; Hereditary Cancer Syndrome; Hereditary neoplastic syndrome; Neoplastic Syndromes, Hereditary. Identifiers: Orphanet 140162, MedGen C0027672, MeSH D009386, MONDO:0015356.

Submission:

Ambry Genetics
Classification: Uncertain significance for Hereditary cancer-predisposing syndrome. Last evaluated: 2025-09-16. Review status: criteria provided, single submitter. Criteria: Ambry Variant Classification Scheme 2023. Collection method: clinical testing. Allele origin: germline.
Comment: The p.G183S variant (also known as c.547G>A), located in coding exon 5 of the SDHA gene, results from a G to A substitution at nucleotide position 547. The glycine at codon 183 is replaced by serine, an amino acid with similar properties. This amino acid position is conserved. In addition, this alteration is predicted to be deleterious by in silico analysis. Based on the available evidence, the clinical significance of this variant remains unclear.